The following is an entry in ClinVar:

NM_000112.4(SLC26A2):c.136_137insTT (p.Asp46fs)

Gene: SLC26A2 (solute carrier family 26 member 2; plus strand). Cytogenetic location: 5q32.
Variant type: Insertion.
Coding change: c.136_137insTT on transcript NM_000112.4 (MANE Select); coding-DNA positions 136 to 137, TT inserted.
Protein change: p.Asp46fs; shifts the reading frame from aspartic acid 46.
Molecular consequence: frameshift variant.
Genome position: GRCh38 VCF-style: chr5-149977788-G-GTT. GRCh37 (hg19) VCF-style: chr5-149357351-G-GTT.
Other names: short protein forms D46fs.
Identifiers: ClinVar variation 2922642 (VCV002922642.6), dbSNP rs2480770248, ClinGen allele CA2695205643.
Genomic context (GRCh38, chr5:149,977,788, plus strand): 5'-GGGATCCATCTGGAACTTCAAAGGGAATCAAGTACTGACTTCAAGCAATTTGAGACCAAT[G>GTT]ATCAATGCAGACCTTATCATAGGATCCTTATTGAGCGTCAAGAGAAATCAGATACAAACT-3'

ClinVar aggregate classification (germline): Pathogenic/Likely pathogenic. Review status: criteria provided, multiple submitters, no conflicts (2 of 4 stars). 3 submissions from 3 submitters: Pathogenic (1); Likely pathogenic (2). Last evaluated 2025-11-20.

Conditions:
Achondrogenesis, type IB (ACG1B). Also called: Achondrogenesis Type 1B. Identifiers: Orphanet 932, Orphanet 93298, MedGen C0265274, MONDO:0010966, OMIM 600972.
Atelosteogenesis type II (AO2). Also called: NEONATAL OSSEOUS DYSPLASIA I; SLC26A2-Related Atelosteogenesis; Neonatal osseous dysplasia 1. Identifiers: Orphanet 56304, MedGen C1850554, MONDO:0009727, OMIM 256050.
Multiple epiphyseal dysplasia type 4 (EDM4). Also called: MULTIPLE EPIPHYSEAL DYSPLASIA WITH BILAYERED PATELLAE; MULTIPLE EPIPHYSEAL DYSPLASIA WITH CLUBFOOT; MULTIPLE EPIPHYSEAL DYSPLASIA, AUTOSOMAL RECESSIVE; Multiple Epiphyseal Dysplasia, Recessive; SLC26A2-Related Multiple Epiphyseal Dysplasia. Identifiers: Orphanet 93307, MedGen C1847593, MONDO:0009189, OMIM 226900.
Diastrophic dysplasia (DTD). Also called: Diastrophic dwarfism. Identifiers: Orphanet 628, MedGen C0220726, MONDO:0009107, OMIM 222600.

Submissions (3):

Labcorp Genetics (formerly Invitae), Labcorp
Classification: Pathogenic for Atelosteogenesis type II; Multiple epiphyseal dysplasia type 4; Achondrogenesis, type IB; Diastrophic dysplasia. Last evaluated: 2025-11-20. Review status: criteria provided, single submitter. Criteria: Invitae Variant Classification Sherloc (09022015). Collection method: clinical testing. Allele origin: germline.
Comment: This sequence change creates a premature translational stop signal (p.Asp46Valfs*44) in the SLC26A2 gene. It is expected to result in an absent or disrupted protein product. Loss-of-function variants in SLC26A2 are known to be pathogenic (PMID: 7923357, 10482955, 11241838). This variant is not present in population databases (gnomAD no frequency). This premature translational stop signal has been observed in individual(s) with clinical features of diastrophic dysplasia (PMID: 34094714). ClinVar contains an entry for this variant (Variation ID: 2922642). For these reasons, this variant has been classified as Pathogenic.

Fulgent Genetics
Classification: Likely pathogenic for Diastrophic dysplasia; Multiple epiphyseal dysplasia type 4; Atelosteogenesis type II; Achondrogenesis, type IB. Last evaluated: 2024-04-30. Review status: criteria provided, single submitter. Criteria: ACMG Guidelines, 2015. Collection method: clinical testing. Allele origin: germline.

Juno Genomics, Hangzhou Juno Genomics, Inc
Classification: Likely pathogenic for Achondrogenesis, type IB; Atelosteogenesis type II; Diastrophic dysplasia; Multiple epiphyseal dysplasia type 4. Review status: criteria provided, single submitter. Criteria: ACMG Guidelines, 2015. Collection method: clinical testing. Allele origin: germline.
Comment: Absent from controls (or at extremely low frequency if recessive) in Genome Aggregation Database.;Null variant in a gene where loss of function (LOF) is a known mechanism of disease.

Literature cited by the submitters: PubMed 7923357 (cited by Labcorp Genetics (formerly Invitae), Labcorp); PubMed 10482955 (cited by Labcorp Genetics (formerly Invitae), Labcorp); PubMed 11241838 (cited by Labcorp Genetics (formerly Invitae), Labcorp); PubMed 34094714 (cited by Labcorp Genetics (formerly Invitae), Labcorp).